The following is an entry in ClinVar:

ClinVar aggregate classification (germline): Pathogenic (1 of 4 stars; one submission).

Submission:

CeGaT Center for Human Genetics Tuebingen
Classification: Pathogenic. Last evaluated: 2026-05-01. Review status: criteria provided, single submitter. Criteria: CeGaT Center For Human Genetics Tuebingen Variant Classification Criteria Version 2. Collection method: clinical testing. Allele origin: germline. Affected: yes. Observed: 1 variant allele.
Comment: SETD5: PVS1, PM2

NM_001080517.3(SETD5):c.1575dup (p.Glu526fs)

Gene: SETD5 (SET domain containing 5; plus strand). Cytogenetic location: 3p25.3.
Variant type: Duplication.
Coding change: c.1575dup on transcript NM_001080517.3 (MANE Select); coding-DNA position 1575, one base duplicated (A; older notation c.1575dupA).
Protein change: p.Glu526fs; shifts the reading frame from glutamic acid 526.
Molecular consequence: frameshift variant.
Genome position (GRCh38, 1-based): chr3:9,447,100, A duplicated. VCF-style (leftmost placement, unchanged base first): chr3-9447099-T-TA. GRCh37 (hg19) VCF-style: chr3-9488783-T-TA.
Other names: c.1281dup, p.Glu428fs (NM_001292043.2, NM_001349451.2); c.1671dup, p.Glu558fs (NM_001437633.1); c.1632dup, p.Glu545fs (NM_001437635.1); c.1575dup, p.Glu526fs (NM_001437643.1); c.1614dup, p.Glu539fs (NM_001437701.1); short protein forms E428fs, E526fs, E539fs, E545fs, E558fs.
Identifiers: ClinVar variation 4874938 (VCV004874938.2).